The following is an entry in ClinVar:

NM_001267550.2(TTN):c.15776-2A>G

Gene: TTN (titin; minus strand). Cytogenetic location: 2q31.2.
Variant type: single nucleotide variant.
Coding change: c.15776-2A>G on transcript NM_001267550.2 (MANE Select); the canonical splice acceptor site of the intron before coding-DNA position 15776, A replaced by G.
Molecular consequence: splice acceptor variant. On other transcripts: intron variant (3).
Genome position (GRCh38, 1-based): chr2:178,733,519, T>C on the plus strand (A>G on the coding strand, the complement: TTN is on the minus strand). VCF-style: chr2-178733519-T-C. GRCh37 (hg19) VCF-style: chr2-179598246-T-C.
Other names: c.13282+4563A>G (NM_003319.4); c.13858+4563A>G (NM_133437.4); c.13657+4563A>G (NM_133432.3); c.12044-2A>G (NM_133378.4); c.14825-2A>G (NM_001256850.1).
Identifiers: ClinVar variation 4080832 (VCV004080832.2).

ClinVar aggregate classification (germline): Conflicting classifications of pathogenicity. Review status: criteria provided, conflicting classifications (1 of 4 stars). 2 submissions from 2 submitters: Likely pathogenic (1); Uncertain significance (1). Last evaluated 2025-02-04.

Conditions:
Dilated cardiomyopathy 1G (CMD1G). Identifiers: Orphanet 154, MedGen C1858763, MONDO:0011400, OMIM 604145.
Autosomal recessive limb-girdle muscular dystrophy type 2J (LGMDR10). Also called: Limb-girdle muscular dystrophy, type 2J; MUSCULAR DYSTROPHY, LIMB-GIRDLE, AUTOSOMAL RECESSIVE 10. Identifiers: Orphanet 140922, MedGen C1837342, MONDO:0012127, OMIM 608807.

Submissions (2):

Labcorp Genetics (formerly Invitae), Labcorp
Classification: Likely pathogenic for Dilated cardiomyopathy 1G; Autosomal recessive limb-girdle muscular dystrophy type 2J. Last evaluated: 2025-02-04. Review status: criteria provided, single submitter. Criteria: Invitae Variant Classification Sherloc (09022015). Collection method: clinical testing. Allele origin: germline.
Comment: This sequence change affects an acceptor splice site in intron 53 of the TTN gene. It is expected to disrupt RNA splicing and likely results in a truncated or disrupted TTN protein. This variant is not present in population databases (gnomAD no frequency). This variant has not been reported in the literature in individuals affected with TTN-related conditions. Algorithms developed to predict the effect of sequence changes on RNA splicing suggest that this variant may disrupt the consensus splice site. This variant is located in the I band of TTN (PMID: 25589632). Truncating variants in this region have been reported in individuals affected with autosomal recessive centronuclear myopathy (PMID: 23975875, internal data). Truncating variants in this region have also been identified in individuals affected with autosomal dominant dilated cardiomyopathy and/or cardio-related conditions (PMID: 27869827, 32964742, internal data). In summary, the currently available evidence indicates that the variant is pathogenic, but additional data are needed to prove that conclusively. Therefore, this variant has been classified as Likely Pathogenic.

Revvity Omics, Revvity
Classification: Uncertain significance. Last evaluated: 2023-09-13. Review status: criteria provided, single submitter. Criteria: ACMG Guidelines, 2015. Collection method: clinical testing. Allele origin: germline.

Literature cited by the submitters: PubMed 25589632 (cited by Labcorp Genetics (formerly Invitae), Labcorp); PubMed 23975875 (cited by Labcorp Genetics (formerly Invitae), Labcorp); PubMed 27869827 (cited by Labcorp Genetics (formerly Invitae), Labcorp); PubMed 32964742 (cited by Labcorp Genetics (formerly Invitae), Labcorp).